The following is an entry in ClinVar:

NM_006690.4(MMP24):c.92T>C (p.Val31Ala)

Genes: MMP24 (matrix metallopeptidase 24; plus strand), MMP24-AS1-EDEM2 (MMP24-AS1-EDEM2 readthrough; minus strand). Cytogenetic location: 20q11.22.
Variant type: single nucleotide variant.
Coding change: c.92T>C on transcript NM_006690.4 (MANE Select); coding-DNA position 92, T replaced by C.
Protein change: p.Val31Ala; replaces valine 31 with alanine.
Molecular consequence: missense variant. On other transcripts: intron variant (1).
Genome position (GRCh38, 1-based): chr20:35,226,830, T>C. VCF-style: chr20-35226830-T-C. GRCh37 (hg19) VCF-style: chr20-33814633-T-C.
Other names: c.-351-8769A>G (NM_001355008.2); short protein forms V31A.
Identifiers: ClinVar variation 2534285 (VCV002534285.2), dbSNP rs2515601129, ClinGen allele CA408706795.

ClinVar aggregate classification (germline): Uncertain significance (1 of 4 stars; one submission).

Submission:

Ambry Genetics
Classification: Uncertain significance. Last evaluated: 2023-04-07. Review status: criteria provided, single submitter. Criteria: Ambry Variant Classification Scheme 2023. Collection method: clinical testing. Allele origin: germline.
Comment: The c.92T>C (p.V31A) alteration is located in exon (coding exon ) of the MMP24 gene. This alteration results from a T to C substitution at nucleotide position 92, causing the valine (V) at amino acid position 31 to be replaced by an alanine (A). Based on insufficient or conflicting evidence, the clinical significance of this alteration remains unclear.